The following is an entry in ClinVar:

NM_002772.3(TMPRSS15):c.2441_2442dup (p.Val815fs)

Gene: TMPRSS15 (transmembrane serine protease 15; minus strand). Cytogenetic location: 21q21.1.
Variant type: Microsatellite.
Coding change: c.2441_2442dup on transcript NM_002772.3 (MANE Select); coding-DNA positions 2441 to 2442, 2 bases duplicated (TC; older notation c.2441_2442dupTC).
Protein change: p.Val815fs; shifts the reading frame from valine 815.
Molecular consequence: frameshift variant.
Genome position (GRCh38, 1-based): chr21:18,294,314-18,294,315, GA duplicated on the plus strand (TC on the coding strand, the reverse complement: TMPRSS15 is on the minus strand); duplicating any 2 consecutive bases within chr21:18,294,314-18,294,319 gives the same sequence; the c. name uses the placement nearest the transcript's 3' end. VCF-style (leftmost placement, unchanged base first): chr21-18294313-C-CGA. GRCh37 (hg19) VCF-style: chr21-19666630-C-CGA.
Other names: short protein forms V815fs.
Identifiers: ClinVar variation 1997513 (VCV001997513.4), dbSNP rs2516551572, ClinGen allele CA2580616367.
Genomic context (GRCh38, chr21:18,294,313, plus strand): 5'-CTTGACATCACACTCACCCATACACGCAGTGTGCGGCGGACACCAGCCAGTCACTGCTGA[C>CGA]GAGAGATGCGCCGCAGAGCAGTCGGCCGCCATAATACAGACCCACAACCCAGGGCCAGGC-3'

ClinVar aggregate classification (germline): Pathogenic (1 of 4 stars; one submission).

Submission:

Labcorp Genetics (formerly Invitae), Labcorp
Classification: Pathogenic. Last evaluated: 2024-11-04. Review status: criteria provided, single submitter. Criteria: Invitae Variant Classification Sherloc (09022015). Collection method: clinical testing. Allele origin: germline.
Comment: This sequence change creates a premature translational stop signal (p.Val815Serfs*19) in the TMPRSS15 gene. It is expected to result in an absent or disrupted protein product. Loss-of-function variants in TMPRSS15 are known to be pathogenic (PMID: 11719902). This variant is not present in population databases (gnomAD no frequency). This variant has not been reported in the literature in individuals affected with TMPRSS15-related conditions. For these reasons, this variant has been classified as Pathogenic.

Literature cited by the submitters: PubMed 11719902.